The following is an entry in ClinVar:

NM_015340.4(LARS2):c.516+262A>G

Gene: LARS2 (leucyl-tRNA synthetase 2, mitochondrial; plus strand). Cytogenetic location: 3p21.31.
Variant type: single nucleotide variant.
Coding change: c.516+262A>G on transcript NM_015340.4 (MANE Select); 262 bases into the intron after coding-DNA position 516, A replaced by G.
Molecular consequence: intron variant.
Genome position (GRCh38, 1-based): chr3:45,419,991, A>G. VCF-style: chr3-45419991-A-G. GRCh37 (hg19) VCF-style: chr3-45461483-A-G.
Other names: c.516+262A>G (NM_001368263.1).
Identifiers: ClinVar variation 669494 (VCV000669494.1), dbSNP rs17638301, ClinGen allele CA15266627.

ClinVar aggregate classification (germline): Benign (1 of 4 stars; one submission).

Allele frequency attached by ClinVar (database versions not stated): 1000 Genomes Project 30x 0.08869; 1000 Genomes Project 0.08886; TOPMed 0.11394; gnomAD 0.11740 and 0.11776.
gnomAD v4.1: 17,972 of 152,282 alleles (12%); highest among the groups gnomAD compares: Middle Eastern, 19%; 1,291 homozygotes.

Submission:

GeneDx
Classification: Benign. Last evaluated: 2018-06-14. Review status: criteria provided, single submitter. Criteria: GeneDx Variant Classification (06012015). Collection method: clinical testing. Allele origin: germline. Affected: yes.
Comment: This variant is considered likely benign or benign based on one or more of the following criteria: it is a conservative change, it occurs at a poorly conserved position in the protein, it is predicted to be benign by multiple in silico algorithms, and/or has population frequency not consistent with disease.